The following is an entry in ClinVar:

ClinVar aggregate classification (germline): Uncertain significance. Review status: criteria provided, multiple submitters, no conflicts (2 of 4 stars). 3 submissions from 2 submitters: Uncertain significance (3). Last evaluated 2022-02-18.

Conditions:
Isolated microphthalmia 5. Also called: Posterior Microphthalmia with Retinitis Pigmentosa, Foveoschisis, and Optic Disc Drusen. Identifiers: Orphanet 251279, MedGen C1970236, MONDO:0012605, OMIM 611040.
Late-onset retinal degeneration (LORD). Also called: RETINAL DEGENERATION, LATE-ONSET, AUTOSOMAL DOMINANT. Identifiers: Orphanet 67042, MedGen C1854065, MONDO:0011579, OMIM 605670. Disease mechanism: loss of function.

Allele frequency attached by ClinVar (database versions not stated): gnomAD exomes 0.00001 and 0.00002; ExAC 0.00002; gnomAD 0.00003; TOPMed 0.00003.
gnomAD v4.1: 13 of 1,613,442 alleles (0.00081%); highest among the groups gnomAD compares: South Asian, 0.0066%; no homozygotes.

Submissions (3):

Labcorp Genetics (formerly Invitae), Labcorp
Classification: Uncertain significance. Last evaluated: 2022-02-18. Review status: criteria provided, single submitter. Criteria: Invitae Variant Classification Sherloc (09022015). Collection method: clinical testing. Allele origin: germline.
Comment: ClinVar contains an entry for this variant (Variation ID: 302924). In summary, the available evidence is currently insufficient to determine the role of this variant in disease. Therefore, it has been classified as a Variant of Uncertain Significance. Algorithms developed to predict the effect of missense changes on protein structure and function (SIFT, PolyPhen-2, Align-GVGD) all suggest that this variant is likely to be tolerated. This variant has not been reported in the literature in individuals affected with C1QTNF5-related conditions. This variant is present in population databases (rs779732274, gnomAD 0.01%). This sequence change replaces isoleucine, which is neutral and non-polar, with threonine, which is neutral and polar, at codon 215 of the C1QTNF5 protein (p.Ile215Thr).

Illumina Laboratory Services, Illumina
Classification: Uncertain significance for Late-onset retinal degeneration. Last evaluated: 2018-01-13. Review status: criteria provided, single submitter. Criteria: ICSL Variant Classification Criteria 13 December 2019. Collection method: clinical testing. Allele origin: germline.

Illumina Laboratory Services, Illumina
Classification: Uncertain significance for Isolated microphthalmia 5. Last evaluated: 2018-01-12. Review status: criteria provided, single submitter. Criteria: ICSL Variant Classification Criteria 13 December 2019. Collection method: clinical testing. Allele origin: germline.

NM_001278431.2(C1QTNF5):c.644T>C (p.Ile215Thr)

Genes: C1QTNF5 (C1q and TNF related 5; minus strand), MFRP (membrane frizzled-related protein; minus strand). Cytogenetic location: 11q23.3.
Variant type: single nucleotide variant.
Coding change: c.644T>C on transcript NM_001278431.2 (MANE Select); coding-DNA position 644, T replaced by C.
Protein change: p.Ile215Thr; replaces isoleucine 215 with threonine.
Molecular consequence: missense variant. On other transcripts: 3 prime UTR variant (1).
Genome position (GRCh38, 1-based): chr11:119,339,419, A>G on the plus strand (T>C on the coding strand, the complement: C1QTNF5 is on the minus strand). VCF-style: chr11-119339419-A-G. GRCh37 (hg19) VCF-style: chr11-119210129-A-G.
Other names: c.644T>C, p.Ile215Thr (NM_015645.5); c.*1540T>C (NM_031433.4); short protein forms I215T.
Identifiers: ClinVar variation 302924 (VCV000302924.14), dbSNP rs779732274, ClinGen allele CA6319905.